The following is an entry in ClinVar:

ClinVar aggregate classification (germline): Pathogenic. Review status: reviewed by expert panel (3 of 4 stars). 2 submissions from 2 submitters: Pathogenic (1). 1 of the submissions does not count toward it. Last evaluated 2017-12-15.

Conditions:
Hereditary breast ovarian cancer syndrome. Also called: Hereditary breast and ovarian cancer syndrome (HBOC); BRCA1- and BRCA2-Associated Hereditary Breast and Ovarian Cancer; Hereditary breast and/or ovarian cancer syndrome; Hereditary breast and ovarian cancer syndrome; Hereditary breast and ovarian cancer; Breast and ovarian cancer. Identifiers: Orphanet 145, MedGen C0677776, MeSH D061325, MONDO:0003582. Disease mechanism: loss of function.
Breast-ovarian cancer, familial, susceptibility to, 1 (BROVCA1). Also called: BRCA1 Hereditary Breast and Ovarian Cancer; OVARIAN CANCER, SUSCEPTIBILITY TO. Identifiers: Orphanet 145, MedGen C2676676, MONDO:0011450, OMIM 604370. Disease mechanism: loss of function.

Submissions (2):

Evidence-based Network for the Interpretation of Germline Mutant Alleles (ENIGMA)
Classification: Pathogenic for Breast-ovarian cancer, familial, susceptibility to, 1. Last evaluated: 2017-12-15. Review status: reviewed by expert panel. Criteria: ENIGMA BRCA1/2 Classification Criteria (2017-06-29). Collection method: curation. Allele origin: germline. Study: ENIGMA.
Comment: Variant allele predicted to encode a truncated non-functional protein.

Research Molecular Genetics Laboratory, Women's College Hospital, University of Toronto
Classification: Pathogenic for Hereditary breast ovarian cancer syndrome. Last evaluated: 2014-01-31. Review status: no assertion criteria provided. Collection method: research. Allele origin: germline. Affected: yes. Study: The Canadian Open Genetics Repository (COGR). Not counted in ClinVar's aggregate classification.

NM_007294.4(BRCA1):c.3479del (p.Lys1160fs)

Genes: BRCA1 (BRCA1 DNA repair associated; minus strand), LOC126862571 (BRD4-independent group 4 enhancer GRCh37_chr17:41243136-41244335; plus strand). Cytogenetic location: 17q21.31.
Variant type: Deletion.
Coding change: c.3479del on transcript NM_007294.4 (MANE Select); coding-DNA position 3479, one base deleted (A; older notation c.3479delA).
Protein change: p.Lys1160fs; shifts the reading frame from lysine 1160.
Molecular consequence: frameshift variant. On other transcripts: intron variant (135).
Genome position (GRCh38, 1-based): chr17:43,092,052, T deleted on the plus strand (A on the coding strand, the reverse complement: BRCA1 is on the minus strand); the first of 3 consecutive T bases (chr17:43,092,052-43,092,054); deleting any one gives the same sequence. VCF-style (leftmost placement, unchanged base first): chr17-43092051-CT-C. GRCh37 (hg19) VCF-style: chr17-41244068-CT-C.
Other names: c.3479delA (NM_007294.3); c.3266del, p.Lys1089fs (NM_001407571.1, NM_001407853.1, NM_001407894.1 and 9 more transcripts); c.3479del, p.Lys1160fs (NM_001407581.1, NM_001407582.1, NM_001407583.1 and 30 more transcripts); c.3476del, p.Lys1159fs (NM_001407587.1, NM_001407590.1, NM_001407591.1 and 22 more transcripts); c.3470del, p.Lys1157fs (NM_001407646.1, NM_001407647.1); c.3356del, p.Lys1119fs (NM_001407648.1, NM_001407664.1, NM_001407665.1 and 19 more transcripts); c.3353del, p.Lys1118fs (NM_001407649.1, NM_001407670.1, NM_001407671.1 and 11 more transcripts); c.3401del, p.Lys1134fs (NM_001407653.1, NM_001407654.1, NM_001407655.1 and 4 more transcripts); and 42 more; short protein forms K1160fs, K1113fs, K1032fs, K1093fs, K1119fs, K1159fs, K292fs, K1049fs.
Identifiers: ClinVar variation 431244 (VCV000431244.3), dbSNP rs273899707, ClinGen allele CA645373179.